The following is an entry in ClinVar:

NM_130384.3(ATRIP):c.2310G>A (p.Glu770=)

Genes: ATRIP (ATR interacting protein; plus strand), ATRIP-TREX1 (ATRIP-TREX1 readthrough; plus strand), LOC129936704 (ATAC-STARR-seq lymphoblastoid active region 19829; plus strand). Cytogenetic location: 3p21.31.
Variant type: single nucleotide variant.
Coding change: c.2310G>A on transcript NM_130384.3 (MANE Select); coding-DNA position 2310, G replaced by A.
Protein change: p.Glu770=; no amino-acid change (glutamic acid 770 retained).
Molecular consequence: synonymous variant. On other transcripts: non-coding transcript variant (1).
Genome position (GRCh38, 1-based): chr3:48,465,488, G>A. VCF-style: chr3-48465488-G-A. GRCh37 (hg19) VCF-style: chr3-48506887-G-A.
Other names: c.1929G>A, p.Glu643= (NM_001271022.2); c.2031G>A, p.Glu677= (NM_001271023.2); c.2229G>A, p.Glu743= (NM_032166.4).
Identifiers: ClinVar variation 2091217 (VCV002091217.4), dbSNP rs2530020649, ClinGen allele CA433525029.
Genomic context (GRCh38, chr3:48,465,488, plus strand): 5'-CCTGCCCTAGGCCCTGGCACCTTTGGGCCCTCACCAGGAACCTCTCCTTTTTGTCTCAGA[G>A]GCAGCCCTGGATGACCTCTGTGCCGCGGAAACCGATGTGGAAGACCCCGAGGTGGAGTGT-3'
Protein context (NP_569055.1, residues 760-780): RGLPDVTDCE[Glu770=]AALDDLCAAE

ClinVar aggregate classification (germline): Uncertain significance (1 of 4 stars; one submission).

Allele frequency attached by ClinVar (database versions not stated): gnomAD exomes below 0.00001.

Submission:

Labcorp Genetics (formerly Invitae), Labcorp
Classification: Uncertain significance. Last evaluated: 2022-05-11. Review status: criteria provided, single submitter. Criteria: Invitae Variant Classification Sherloc (09022015). Collection method: clinical testing. Allele origin: germline.
Comment: In summary, the available evidence is currently insufficient to determine the role of this variant in disease. Therefore, it has been classified as a Variant of Uncertain Significance. Algorithms developed to predict the effect of sequence changes on RNA splicing suggest that this variant may disrupt the consensus splice site. This variant has not been reported in the literature in individuals affected with ATRIP-related conditions. This variant is not present in population databases (gnomAD no frequency). This sequence change affects codon 770 of the ATRIP mRNA. It is a 'silent' change, meaning that it does not change the encoded amino acid sequence of the ATRIP protein.